The following is an entry in ClinVar:

NM_181486.4(TBX5):c.1124G>T (p.Arg375Leu)

Gene: TBX5 (T-box transcription factor 5; minus strand). Cytogenetic location: 12q24.21.
Variant type: single nucleotide variant.
Coding change: c.1124G>T on transcript NM_181486.4 (MANE Select); coding-DNA position 1124, G replaced by T.
Protein change: p.Arg375Leu; replaces arginine 375 with leucine.
Molecular consequence: missense variant.
Genome position (GRCh38, 1-based): chr12:114,355,965, C>A on the plus strand (G>T on the coding strand, the complement: TBX5 is on the minus strand). VCF-style: chr12-114355965-C-A. GRCh37 (hg19) VCF-style: chr12-114793770-C-A.
Other names: c.1124G>T, p.Arg375Leu (NM_000192.3); c.974G>T, p.Arg325Leu (NM_080717.4); short protein forms R325L, R375L.
Identifiers: ClinVar variation 3667508 (VCV003667508.2).
Genomic context (GRCh38, chr12:114,355,965, plus strand): 5'-TCCTCTAGGCTGGGCACAGGCTCGCTGGGGGGCGCAGAGCTGGCATACATGCAAGCTTGC[C>A]GCTGTGCCGACTCTGTCCTGTAGGAGGCACCCAGGCCCTGCTGCTGTGGATAGCTAGAGC-3'
Protein context (NP_852259.1, residues 365-385): GASYRTESAQ[Arg375Leu]QACMYASSAP

ClinVar aggregate classification (germline): Uncertain significance (1 of 4 stars; one submission).

Conditions:
Aortic valve disease 2 (AOVD2). Identifiers: MedGen C3542024, MONDO:0013902, OMIM 614823.

Submission:

Labcorp Genetics (formerly Invitae), Labcorp
Classification: Uncertain significance for Aortic valve disease 2. Last evaluated: 2024-10-30. Review status: criteria provided, single submitter. Criteria: Invitae Variant Classification Sherloc (09022015). Collection method: clinical testing. Allele origin: germline.
Comment: This sequence change replaces arginine, which is basic and polar, with leucine, which is neutral and non-polar, at codon 375 of the TBX5 protein (p.Arg375Leu). This variant is not present in population databases (gnomAD no frequency). This variant has not been reported in the literature in individuals affected with TBX5-related conditions. Invitae Evidence Modeling of protein sequence and biophysical properties (such as structural, functional, and spatial information, amino acid conservation, physicochemical variation, residue mobility, and thermodynamic stability) indicates that this missense variant is not expected to disrupt TBX5 protein function with a negative predictive value of 80%. In summary, the available evidence is currently insufficient to determine the role of this variant in disease. Therefore, it has been classified as a Variant of Uncertain Significance.